The following is an entry in ClinVar:

ClinVar aggregate classification (germline): Likely pathogenic (1 of 4 stars; one submission).

Conditions:
Early onset severe obesity. Identifiers: MedGen C4013980.

Submission:

Cambridge Genomics Laboratory, East Genomic Laboratory Hub, NHS Genomic Medicine Service
Classification: Likely pathogenic for Severe early-onset obesity. Last evaluated: 2024-07-25. Review status: criteria provided, single submitter. Criteria: ACGS Best Practice Guidelines for Variant Classification in Rare Disease 2020. Collection method: clinical testing. Allele origin: germline. Affected: yes.
Comment: The p.Ile121Thr variant is observed in 1/113.742 (0.0009%) alleles from individuals of gnomAD Non Finnish European background in gnomAD All. The p.Ile121Thr variant is novel (not in any individuals) in 1kG All. (PM2 - Moderate) | (PM1_Supporting - Supporting) | The p.Ile121Thr variant is not predicted to introduce a novel splice site by any splice site algorithm. The isoleucine residue at codon 121 of MC4R is not conserved in all mammalian species, with 1 of the 61 mammals with alignments containing alternative residues. (BP4 - Supporting) | Functional studies demonstrate that this variant has a damaging effect on the gene or gene product (PS3_Moderate - Moderate) | The patient's phenotype or family history is highly specific for a disease with a single genetic etiology. (PP4 - Supporting)

NM_005912.3(MC4R):c.362T>C (p.Ile121Thr)

Gene: MC4R (melanocortin 4 receptor; minus strand). Cytogenetic location: 18q21.32.
Variant type: single nucleotide variant.
Coding change: c.362T>C on transcript NM_005912.3 (MANE Select); coding-DNA position 362, T replaced by C.
Protein change: p.Ile121Thr; replaces isoleucine 121 with threonine.
Molecular consequence: missense variant.
Genome position (GRCh38, 1-based): chr18:60,371,988, A>G on the plus strand (T>C on the coding strand, the complement: MC4R is on the minus strand). VCF-style: chr18-60371988-A-G. GRCh37 (hg19) VCF-style: chr18-58039221-A-G.
Other names: short protein forms I121T.
Identifiers: ClinVar variation 4812833 (VCV004812833.1).
Genomic context (GRCh38, chr18:60,371,988, plus strand): 5'-AGCAGGCTGCAAATGGATGCAAGCAAGGAGCTACAGATCACCGAGTCAATGACATTATCA[A>G]TATTCACTGTGAAACTCTGTGCATCCGTATCTGTACTGTTTAATAGGGTGATGACAATGG-3'
Protein context (NP_005903.2, residues 111-131): DTDAQSFTVN[Ile121Thr]DNVIDSVICS